The following is an entry in ClinVar:

NM_000548.5(TSC2):c.3815-5T>A

Gene: TSC2 (TSC complex subunit 2; plus strand). Cytogenetic location: 16p13.3.
Variant type: single nucleotide variant.
Coding change: c.3815-5T>A on transcript NM_000548.5 (MANE Select); 5 bases into the intron before coding-DNA position 3815, T replaced by A.
Molecular consequence: intron variant.
Genome position (GRCh38, 1-based): chr16:2,082,431, T>A. VCF-style: chr16-2082431-T-A. GRCh37 (hg19) VCF-style: chr16-2132432-T-A.
Other names: c.2341+633T>A (NM_001406693.1, NM_001406692.1, NM_001406694.1); c.3775+633T>A (NM_001406667.1); c.3772+633T>A (NM_001406668.1); c.3215-5T>A (NM_001406680.1); c.3214+633T>A (NM_001406683.1, NM_001406682.1); c.3082+633T>A (NM_001406687.1, NM_001406688.1); c.2470+633T>A (NM_001406689.1); c.2342-5T>A (NM_001406690.1); and 25 more.
Identifiers: ClinVar variation 2820780 (VCV002820780.3), dbSNP rs2544188528, ClinGen allele CA2739269940.

ClinVar aggregate classification (germline): Uncertain significance (1 of 4 stars; one submission).

Conditions:
Tuberous sclerosis 2 (TSC2). Identifiers: Orphanet 805, MedGen C1860707, MONDO:0013199, OMIM 613254.

Submission:

Labcorp Genetics (formerly Invitae), Labcorp
Classification: Uncertain significance for Tuberous sclerosis 2. Last evaluated: 2022-12-14. Review status: criteria provided, single submitter. Criteria: Invitae Variant Classification Sherloc (09022015). Collection method: clinical testing. Allele origin: germline.
Comment: In summary, the available evidence is currently insufficient to determine the role of this variant in disease. Therefore, it has been classified as a Variant of Uncertain Significance. Algorithms developed to predict the effect of sequence changes on RNA splicing suggest that this variant may disrupt the consensus splice site. This variant has not been reported in the literature in individuals affected with TSC2-related conditions. This variant is not present in population databases (gnomAD no frequency). This sequence change falls in intron 31 of the TSC2 gene. It does not directly change the encoded amino acid sequence of the TSC2 protein.